The following is an entry in ClinVar:

ClinVar aggregate classification (germline): Uncertain significance (1 of 4 stars; one submission).

Allele frequency attached by ClinVar (database versions not stated): gnomAD exomes below 0.00001; TOPMed below 0.00001; gnomAD 0.00001.
gnomAD v4.1: 5 of 1,614,094 alleles (0.00031%); highest among the groups gnomAD compares: East Asian, 0.011%; no homozygotes.

Submission:

Ambry Genetics
Classification: Uncertain significance. Last evaluated: 2024-04-24. Review status: criteria provided, single submitter. Criteria: Ambry Variant Classification Scheme 2023. Collection method: clinical testing. Allele origin: germline.
Comment: The p.E210Q variant (also known as c.628G>C), located in coding exon 3 of the ALPK2 gene, results from a G to C substitution at nucleotide position 628. The glutamic acid at codon 210 is replaced by glutamine, an amino acid with highly similar properties. This amino acid position is conserved. In addition, this alteration is predicted to be tolerated by in silico analysis. Since supporting evidence is limited at this time, the clinical significance of this alteration remains unclear.

NM_052947.4(ALPK2):c.628G>C (p.Glu210Gln)

Gene: ALPK2 (alpha kinase 2; minus strand). Cytogenetic location: 18q21.31.
Variant type: single nucleotide variant.
Coding change: c.628G>C on transcript NM_052947.4 (MANE Select); coding-DNA position 628, G replaced by C.
Protein change: p.Glu210Gln; replaces glutamic acid 210 with glutamine.
Molecular consequence: missense variant.
Genome position (GRCh38, 1-based): chr18:58,580,148, C>G on the plus strand (G>C on the coding strand, the complement: ALPK2 is on the minus strand). VCF-style: chr18-58580148-C-G. GRCh37 (hg19) VCF-style: chr18-56247380-C-G.
Other names: short protein forms E210Q.
Identifiers: ClinVar variation 1752655 (VCV001752655.3), dbSNP rs1381938639, ClinGen allele CA402567566.